The following is an entry in ClinVar:

NM_000018.4(ACADVL):c.957G>A (p.Ser319=)

Gene: ACADVL (acyl-CoA dehydrogenase very long chain; plus strand). Cytogenetic location: 17p13.1.
Variant type: single nucleotide variant.
Coding change: c.957G>A on transcript NM_000018.4 (MANE Select); coding-DNA position 957, G replaced by A.
Protein change: p.Ser319=; no amino-acid change (serine 319 retained).
Molecular consequence: synonymous variant.
Genome position (GRCh38, 1-based): chr17:7,222,745, G>A. VCF-style: chr17-7222745-G-A. GRCh37 (hg19) VCF-style: chr17-7126064-G-A.
Other names: c.891G>A, p.Ser297= (NM_001033859.3); c.1026G>A, p.Ser342= (NM_001270447.2); c.729G>A, p.Ser243= (NM_001270448.2).
Identifiers: ClinVar variation 1085460 (VCV001085460.38), dbSNP rs143870522, ClinGen allele CA8337914.
Genomic context (GRCh38, chr17:7,222,745, plus strand): 5'-GATGGGCATCAAGGCTTCAAACACAGCAGAGGTGTTCTTTGATGGAGTACGGGTGCCATC[G>A]GAGAACGTGCTGGGTGAGGTTGGGAGTGGCTTCAAGGTTGCCATGCACATCCTCAACAAT-3'
Protein context (NP_000009.1, residues 309-329): EVFFDGVRVP[Ser319=]ENVLGEVGSG

ClinVar aggregate classification (germline): Conflicting classifications of pathogenicity. Review status: criteria provided, conflicting classifications (1 of 4 stars). 5 submissions from 5 submitters: Likely pathogenic (1); Uncertain significance (1); Likely benign (3). Last evaluated 2026-09-16.

Conditions:
Very long chain acyl-CoA dehydrogenase deficiency (ACADVLD). Also called: VLCAD Deficiency; Very Long-Chain Acyl-Coenzyme A Dehydrogenase Deficiency. Identifiers: Orphanet 26793, MedGen C3887523, MONDO:0008723, OMIM 201475.

Allele frequency attached by ClinVar (database versions not stated): ExAC 0.00002; gnomAD 0.00002 and 0.00003; TOPMed 0.00002; gnomAD exomes 0.00003; ESP Exome Variant Server 0.00008.
gnomAD v4.1: 51 of 1,614,122 alleles (0.0032%); highest among the groups gnomAD compares: East Asian, 0.016%; no homozygotes.

Submissions (5):

Myriad Genetics, Inc.
Classification: Likely pathogenic for Very long chain acyl-CoA dehydrogenase deficiency. Last evaluated: 2026-09-16. Review status: criteria provided, single submitter. Criteria: Myriad Autosomal Dominant, Autosomal Recessive and X-Linked Classification Criteria (2023). Collection method: clinical testing. Allele origin: unknown.
Comment: NM_000018.3(ACADVL):c.957G>A(S319=) is a silent variant classified as likely pathogenic in the context of very-long-chain acyl-CoA dehydrogenase deficiency. S319= has been observed in cases with relevant disease (PMID: 40428360, 30194637, Brunel-Guitton_2012_(Abstract)). Relevant functional assessments of this variant are available in the literature (PMID: 40428360). S319= has been observed in referenced population frequency databases. In summary, NM_000018.3(ACADVL):c.957G>A(S319=) is a silent variant that has functional support for pathogenicity and has been observed more frequently in cases with the relevant disease than in healthy populations. Please note: this variant was assessed in the context of healthy population screening.

Labcorp Genetics (formerly Invitae), Labcorp
Classification: Likely benign for Very long chain acyl-CoA dehydrogenase deficiency. Last evaluated: 2026-01-11. Review status: criteria provided, single submitter. Criteria: Invitae Variant Classification Sherloc (09022015). Collection method: clinical testing. Allele origin: germline.

Blueprint Genetics
Classification: Uncertain significance. Last evaluated: 2024-10-28. Review status: criteria provided, single submitter. Criteria: ACMG Guidelines, 2015. Collection method: clinical testing. Allele origin: germline.

CeGaT Center for Human Genetics Tuebingen
Classification: Likely benign. Last evaluated: 2023-12-01. Review status: criteria provided, single submitter. Criteria: CeGaT Center For Human Genetics Tuebingen Variant Classification Criteria Version 2. Collection method: clinical testing. Allele origin: germline. Affected: yes. Observed: 1 variant allele.
Comment: ACADVL: BP4, BP7

GeneDx
Classification: Likely benign. Last evaluated: 2020-07-17. Review status: criteria provided, single submitter. Criteria: GeneDx Variant Classification Process June 2021. Collection method: clinical testing. Allele origin: germline. Affected: yes.
Comment: See Variant Classification Assertion Criteria.

Literature cited by the submitters: PubMed 40428360 (cited by Myriad Genetics, Inc.).